The following is an entry in ClinVar:

NM_052867.4(NALCN):c.3448C>G (p.Leu1150Val)

Gene: NALCN (sodium leak channel, non-selective; minus strand). Cytogenetic location: 13q32.3.
Variant type: single nucleotide variant.
Coding change: c.3448C>G on transcript NM_052867.4 (MANE Select); coding-DNA position 3448, C replaced by G.
Protein change: p.Leu1150Val; replaces leucine 1150 with valine.
Molecular consequence: missense variant.
Genome position (GRCh38, 1-based): chr13:101,089,704, G>C on the plus strand (C>G on the coding strand, the complement: NALCN is on the minus strand). VCF-style: chr13-101089704-G-C. GRCh37 (hg19) VCF-style: chr13-101742055-G-C.
Other names: c.3535C>G, p.Leu1179Val (NM_001350748.2); c.3448C>G, p.Leu1150Val (NM_001350749.2); c.3361C>G, p.Leu1121Val (NM_001350750.2, NM_001350751.2); short protein forms L1150V, L1179V, L1121V.
Identifiers: ClinVar variation 254647 (VCV000254647.2), dbSNP rs1555378616, ClinGen allele CA388652630.

ClinVar aggregate classification (germline): Pathogenic/Likely pathogenic. Review status: criteria provided, multiple submitters, no conflicts (2 of 4 stars). 2 submissions from 2 submitters: Pathogenic (1); Likely pathogenic (1). Last evaluated 2026-03-05.

Conditions:
Congenital contractures of the limbs and face, hypotonia, and developmental delay (CLIFAHDD). Identifiers: Orphanet 562528, MedGen C4225398, MONDO:0014556, OMIM 616266.

Submissions (2):

Mendelics
Classification: Pathogenic for Congenital contractures of the limbs and face, hypotonia, and developmental delay. Last evaluated: 2026-03-05. Review status: criteria provided, single submitter. Criteria: ACMG Guidelines, 2015. Collection method: clinical testing. Allele origin: unknown.
Comment: Likely pathogenic/Pathogenic according to ACMG criteria.

GeneDx
Classification: Likely pathogenic. Last evaluated: 2016-08-31. Review status: criteria provided, single submitter. Criteria: GeneDx Variant Classification (06012015). Collection method: clinical testing. Allele origin: germline. Affected: yes.
Comment: The L1150V variant in the NALCN gene has been observed in internal GeneDx whole exome sequencing data in association with intellectual disability, cerebellar atrophy, and hypotonia. The L1150V variant was not observed in approximately 6,500 individuals of European and African American ancestry in the NHLBI Exome Sequencing Project, indicating it is not a common benign variant in these populations. This substitution occurs at a position that is conserved across species. In silico analysis predicts this variant is probably damaging to the protein structure/function. Therefore, we interpret L1150V as a likely pathogenic variant.

Literature cited by the submitters: PubMed 27681385 (cited by GeneDx).